The following is an entry in ClinVar:

ClinVar aggregate classification (germline): Uncertain significance. Review status: criteria provided, multiple submitters, no conflicts (2 of 4 stars). 4 submissions from 4 submitters: Uncertain significance (4). Last evaluated 2025-10-03.

Conditions:
Familial cancer of breast. Also called: Hereditary breast cancer; BREAST CANCER, FAMILIAL; hereditary breast carcinoma. Identifiers: Orphanet 227535, MedGen C0346153, MONDO:0016419, OMIM 114480. Disease mechanism: loss of function.
Hereditary cancer-predisposing syndrome. Also called: Hereditary neoplastic syndrome; Neoplastic Syndromes, Hereditary; Tumor predisposition; Hereditary Cancer Syndrome. Identifiers: Orphanet 140162, MedGen C0027672, MeSH D009386, MONDO:0015356.

Allele frequency attached by ClinVar (database versions not stated): gnomAD exomes below 0.00001.
gnomAD v4.1: 4 of 1,613,896 alleles (0.00025%); highest among the groups gnomAD compares: Non-Finnish European, 0.00025%; no homozygotes.

Submissions (4):

Ambry Genetics
Classification: Uncertain significance for Hereditary cancer-predisposing syndrome. Last evaluated: 2025-10-03. Review status: criteria provided, single submitter. Criteria: Ambry Variant Classification Scheme 2023. Collection method: clinical testing. Allele origin: germline.
Comment: The p.A247D variant (also known as c.740C>A), located in coding exon 5 of the CHEK2 gene, results from a C to A substitution at nucleotide position 740. The alanine at codon 247 is replaced by aspartic acid, an amino acid with dissimilar properties. In multiple assays testing (GENE) function, this variant showed functionally abnormal results (Lee SB et al. Cancer Res, 2001 Nov;61:8062-7; Boonen RACM et al. Cancer Res, 2022 Feb;82:615-631; Gebbia M et al. Am J Hum Genet, 2024 Dec;111:2675-2692). This amino acid position is highly conserved in available vertebrate species. In addition, this alteration is predicted to be deleterious by in silico analysis. Based on the available evidence, the clinical significance of this variant remains unclear.

Labcorp Genetics (formerly Invitae), Labcorp
Classification: Uncertain significance for Familial cancer of breast. Last evaluated: 2025-08-11. Review status: criteria provided, single submitter. Criteria: Invitae Variant Classification Sherloc (09022015). Collection method: clinical testing. Allele origin: germline.
Comment: This sequence change replaces alanine, which is neutral and non-polar, with aspartic acid, which is acidic and polar, at codon 247 of the CHEK2 protein (p.Ala247Asp). This variant is present in population databases (no rsID available, gnomAD 0.0009%). This variant has not been reported in the literature in individuals affected with CHEK2-related conditions. ClinVar contains an entry for this variant (Variation ID: 422759). An algorithm developed to predict the effect of missense changes on protein structure and function (PolyPhen-2) suggests that this variant is likely to be disruptive. Experimental studies have shown that this missense change affects CHEK2 function (PMID: 11719428, 21765476, 34903604). In summary, the available evidence is currently insufficient to determine the role of this variant in disease. Therefore, it has been classified as a Variant of Uncertain Significance.

GeneDx
Classification: Uncertain significance. Last evaluated: 2023-10-27. Review status: criteria provided, single submitter. Criteria: GeneDx Variant Classification Process June 2021. Collection method: clinical testing. Allele origin: germline. Affected: yes.
Comment: Not observed at a significant frequency in large population cohorts (gnomAD); In silico analysis, which includes protein predictors and evolutionary conservation, supports a deleterious effect; Published functional studies suggest a damaging effect: protein instability and reduced kinase activity (PMID: 11719428, 34903604); This variant is associated with the following publications: (PMID: 21765476, 23856246, 15162061, 24755471, 17721994, 22189968, 12393693, 18297428, 22385513, 27716909, 11719428, 34903604, 22419737, 19782031)

Color Diagnostics, LLC DBA Color Health
Classification: Uncertain significance for Hereditary cancer-predisposing syndrome. Last evaluated: 2023-05-18. Review status: criteria provided, single submitter. Criteria: ACMG Guidelines, 2015. Collection method: clinical testing. Allele origin: germline.
Comment: This missense variant replaces alanine with aspartic acid at codon 247 of the CHEK2 protein. Computational prediction suggests that this variant may have deleterious impact on protein structure and function (internally defined REVEL score threshold >= 0.7, PMID: 27666373). This variant was detected in the compound heterozygous state with a known pathogenic variant in a sporadic colon carcinoma cell line and has been shown to reduce protein expression, stability, and kinase activity (PMID: 11719428, 34903604). In an international breast cancer case-control meta-analysis, this variant was detected in 1/60466 cases and absent in 53461 controls (PMID: 33471991). This variant has been identified in 1/251372 chromosomes in the general population by the Genome Aggregation Database (gnomAD). The available evidence is insufficient to determine the role of this variant in disease conclusively. Therefore, this variant is classified as a Variant of Uncertain Significance.

Literature cited by the submitters: PubMed 11719428 (cited by 3 submitters); PubMed 34903604 (cited by 3 submitters); PubMed 39642869 (cited by Ambry Genetics); PubMed 21765476 (cited by Labcorp Genetics (formerly Invitae), Labcorp); PubMed 33471991 (cited by Color Diagnostics, LLC DBA Color Health).

NM_007194.4(CHEK2):c.740C>A (p.Ala247Asp)

Gene: CHEK2 (checkpoint kinase 2; minus strand). Cytogenetic location: 22q12.1.
Variant type: single nucleotide variant.
Coding change: c.740C>A on transcript NM_007194.4 (MANE Select); coding-DNA position 740, C replaced by A.
Protein change: p.Ala247Asp; replaces alanine 247 with aspartic acid.
Molecular consequence: missense variant.
Genome position (GRCh38, 1-based): chr22:28,711,961, G>T on the plus strand (C>A on the coding strand, the complement: CHEK2 is on the minus strand). VCF-style: chr22-28711961-G-T. GRCh37 (hg19) VCF-style: chr22-29107949-G-T.
Other names: c.869C>A, p.Ala290Asp (NM_001005735.3); c.77C>A, p.Ala26Asp (NM_001257387.3); c.539C>A, p.Ala180Asp (NM_001349956.3); c.740C>A, p.Ala247Asp (NM_145862.3); short protein forms A247D, A26D, A180D, A290D.
Identifiers: ClinVar variation 422759 (VCV000422759.20), dbSNP rs1064795978, ClinGen allele CA16621071.